The following is an entry in ClinVar:

NM_052989.3(IFT122):c.2599C>A (p.Pro867Thr)

Gene: IFT122 (intraflagellar transport 122; plus strand). Cytogenetic location: 3q22.1.
Variant type: single nucleotide variant.
Coding change: c.2599C>A on transcript NM_052989.3 (MANE Select); coding-DNA position 2599, C replaced by A.
Protein change: p.Pro867Thr; replaces proline 867 with threonine.
Molecular consequence: missense variant.
Genome position (GRCh38, 1-based): chr3:129,504,370, C>A. VCF-style: chr3-129504370-C-A. GRCh37 (hg19) VCF-style: chr3-129223213-C-A.
Other names: c.2752C>A (NM_052985.2); c.2575C>A, p.Pro859Thr (NM_001280541.2); c.2149C>A, p.Pro717Thr (NM_001280545.2); c.1972C>A, p.Pro658Thr (NM_001280546.2); c.2422C>A, p.Pro808Thr (NM_018262.4); c.2752C>A, p.Pro918Thr (NM_052985.4); c.2266C>A, p.Pro756Thr (NM_052990.3); short protein forms P658T, P717T, P918T, P859T, P756T, P867T, P808T.
Identifiers: ClinVar variation 936724 (VCV000936724.9), dbSNP rs144831946, ClinGen allele CA2606579.

ClinVar aggregate classification (germline): Uncertain significance. Review status: criteria provided, multiple submitters, no conflicts (2 of 4 stars). 3 submissions from 3 submitters: Uncertain significance (3). Last evaluated 2024-04-18.

Conditions:
Inborn genetic diseases. Identifiers: MedGen C0950123, MeSH D030342.
Cranioectodermal dysplasia 1 (CED1). Also called: LEVIN SYNDROME I. Identifiers: Orphanet 1515, MedGen C0432235, MONDO:0021093, OMIM 218330.

Allele frequency attached by ClinVar (database versions not stated): gnomAD exomes 0.00001 and 0.00003; ExAC 0.00003; ESP Exome Variant Server 0.00008; gnomAD 0.00015 and 0.00017; TOPMed 0.00016.
gnomAD v4.1: 35 of 1,613,988 alleles (0.0022%); highest among the groups gnomAD compares: African/African-American, 0.044%; no homozygotes.

Submissions (3):

Fulgent Genetics
Classification: Uncertain significance for Cranioectodermal dysplasia 1. Last evaluated: 2024-04-18. Review status: criteria provided, single submitter. Criteria: ACMG Guidelines, 2015. Collection method: clinical testing. Allele origin: germline.

Labcorp Genetics (formerly Invitae), Labcorp
Classification: Uncertain significance for Cranioectodermal dysplasia 1. Last evaluated: 2022-09-01. Review status: criteria provided, single submitter. Criteria: Invitae Variant Classification Sherloc (09022015). Collection method: clinical testing. Allele origin: germline.
Comment: This sequence change replaces proline, which is neutral and non-polar, with threonine, which is neutral and polar, at codon 918 of the IFT122 protein (p.Pro918Thr). This variant is present in population databases (rs144831946, gnomAD 0.05%). This variant has not been reported in the literature in individuals affected with IFT122-related conditions. ClinVar contains an entry for this variant (Variation ID: 936724). Algorithms developed to predict the effect of missense changes on protein structure and function are either unavailable or do not agree on the potential impact of this missense change (SIFT: "Deleterious"; PolyPhen-2: "Probably Damaging"; Align-GVGD: "Class C0"). In summary, the available evidence is currently insufficient to determine the role of this variant in disease. Therefore, it has been classified as a Variant of Uncertain Significance.

Ambry Genetics
Classification: Uncertain significance for Inborn genetic diseases. Last evaluated: 2021-10-12. Review status: criteria provided, single submitter. Criteria: Ambry Variant Classification Scheme 2023. Collection method: clinical testing. Allele origin: germline.